The following is an entry in ClinVar:

ClinVar aggregate classification (germline): Benign/Likely benign. Review status: criteria provided, multiple submitters, no conflicts (2 of 4 stars). 3 submissions from 3 submitters: Benign (2); Likely benign (1). Last evaluated 2023-09-14.

Conditions:
Achondrogenesis, type IA (ACG1A). Identifiers: Orphanet 932, Orphanet 93299, MedGen C0265273, MONDO:0008701, OMIM 200600.

Allele frequency attached by ClinVar (database versions not stated): gnomAD 0.00145 and 0.00259; gnomAD exomes 0.00214; TOPMed 0.00241; 1000 Genomes Project 30x 0.01452; 1000 Genomes Project 0.01577.

Submissions (3):

ARUP Laboratories, Molecular Genetics and Genomics, ARUP Laboratories
Classification: Benign. Last evaluated: 2023-09-14. Review status: criteria provided, single submitter. Criteria: ARUP Molecular Germline Variant Investigation Process 2024. Collection method: clinical testing. Allele origin: germline.

Blueprint Genetics
Classification: Likely benign. Last evaluated: 2018-06-21. Review status: criteria provided, single submitter. Criteria: ACMG Guidelines, 2015. Collection method: clinical testing. Allele origin: germline.

Illumina Laboratory Services, Illumina
Classification: Benign for Achondrogenesis, type IA. Last evaluated: 2018-01-12. Review status: criteria provided, single submitter. Criteria: ICSL Variant Classification Criteria 13 December 2019. Collection method: clinical testing. Allele origin: germline.
Comment: This variant was observed in the ICSL laboratory as part of a predisposition screen in an ostensibly healthy population. It had not been previously curated by ICSL or reported in the Human Gene Mutation Database (HGMD: prior to June 1st, 2018), and was therefore a candidate for classification through an automated scoring system. Utilizing variant allele frequency, disease prevalence and penetrance estimates, and inheritance mode, an automated score was calculated to assess if this variant is too frequent to cause the disease. Based on the score and internal cut-off values, a variant classified as benign is not then subjected to further curation. The score for this variant resulted in a classification of benign for this disease.

NM_004239.4(TRIP11):c.-61C>T

Gene: TRIP11 (thyroid hormone receptor interactor 11; minus strand). Cytogenetic location: 14q32.12.
Variant type: single nucleotide variant.
Coding change: c.-61C>T on transcript NM_004239.4 (MANE Select); 61 bases upstream of the start codon, C replaced by T.
Molecular consequence: 5 prime UTR variant.
Genome position (GRCh38, 1-based): chr14:92,039,746, G>A on the plus strand (C>T on the coding strand, the complement: TRIP11 is on the minus strand). VCF-style: chr14-92039746-G-A. GRCh37 (hg19) VCF-style: chr14-92506090-G-A.
Other names: c.-61C>T (NM_001321851.1).
Identifiers: ClinVar variation 314984 (VCV000314984.14), dbSNP rs78222479, ClinGen allele CA10645364.